The following is an entry in ClinVar:

ClinVar aggregate classification (germline): Uncertain significance (1 of 4 stars; one submission).

gnomAD v4.1: 1 of 1,614,246 alleles (0.000062%); highest among the groups gnomAD compares: African/African-American, 0.0013%; no homozygotes.

Submission:

GeneDx
Classification: Uncertain significance. Last evaluated: 2024-09-23. Review status: criteria provided, single submitter. Criteria: GeneDx Variant Classification Process June 2021. Collection method: clinical testing. Allele origin: germline. Affected: yes.
Comment: Not observed at significant frequency in large population cohorts (gnomAD); In silico analysis indicates that this missense variant does not alter protein structure/function; Has not been previously published as pathogenic or benign to our knowledge

NM_001429.4(EP300):c.655C>G (p.Leu219Val)

Gene: EP300 (E1A binding protein p300; plus strand). Cytogenetic location: 22q13.2.
Variant type: single nucleotide variant.
Coding change: c.655C>G on transcript NM_001429.4 (MANE Select); coding-DNA position 655, C replaced by G.
Protein change: p.Leu219Val; replaces leucine 219 with valine.
Molecular consequence: missense variant.
Genome position (GRCh38, 1-based): chr22:41,117,747, C>G. VCF-style: chr22-41117747-C-G. GRCh37 (hg19) VCF-style: chr22-41513751-C-G.
Other names: c.655C>G, p.Leu219Val (NM_001362843.2); short protein forms L219V.
Identifiers: ClinVar variation 3773885 (VCV003773885.1).